The following is an entry in ClinVar:

NM_001142864.4(PIEZO1):c.3400C>A (p.Arg1134Ser)

Gene: PIEZO1 (piezo type mechanosensitive ion channel component 1 (Er blood group); minus strand). Cytogenetic location: 16q24.3.
Variant type: single nucleotide variant.
Coding change: c.3400C>A on transcript NM_001142864.4 (MANE Select); coding-DNA position 3400, C replaced by A.
Protein change: p.Arg1134Ser; replaces arginine 1134 with serine.
Molecular consequence: missense variant.
Genome position (GRCh38, 1-based): chr16:88,727,094, G>T on the plus strand (C>A on the coding strand, the complement: PIEZO1 is on the minus strand). VCF-style: chr16-88727094-G-T. GRCh37 (hg19) VCF-style: chr16-88793502-G-T.
Other names: p.Arg1134Ser; c.1942C>A, p.Arg648Ser (NM_014745.1); c.3400C>A (NM_001142864.3); short protein forms R648S, R1134S.
Identifiers: ClinVar variation 2229024 (VCV002229024.9), dbSNP rs775384549, ClinGen allele CA8232499.

ClinVar aggregate classification (germline): Conflicting classifications of pathogenicity. Review status: criteria provided, conflicting classifications (1 of 4 stars). 6 submissions from 6 submitters: Uncertain significance (4); Likely benign (2). Last evaluated 2026-01-06.

Conditions:
Inborn genetic diseases. Identifiers: MedGen C0950123, MeSH D030342.
PIEZO1-related disorder. Also called: PIEZO1-related condition; PIEZO1-Related Disorders.

gnomAD v4.1: 125 of 1,549,870 alleles (0.0081%); highest among the groups gnomAD compares: African/African-American, 0.011%; no homozygotes.

Submissions (6):

PreventionGenetics, part of Exact Sciences
Classification: Likely benign for PIEZO1-related condition. Last evaluated: 2026-01-06. Review status: criteria provided, single submitter. Criteria: ACMG Guidelines, 2015. Collection method: clinical testing. Allele origin: germline.
Comment: This variant is classified as likely benign based on ACMG/AMP sequence variant interpretation guidelines (Richards et al. 2015 PMID: 25741868, with internal and published modifications).

Labcorp Genetics (formerly Invitae), Labcorp
Classification: Likely benign. Last evaluated: 2025-10-03. Review status: criteria provided, single submitter. Criteria: Invitae Variant Classification Sherloc (09022015). Collection method: clinical testing. Allele origin: germline.

ARUP Laboratories, Molecular Genetics and Genomics, ARUP Laboratories
Classification: Uncertain significance. Last evaluated: 2024-12-12. Review status: criteria provided, single submitter. Criteria: ARUP Molecular Germline Variant Investigation Process 2024. Collection method: clinical testing. Allele origin: germline.
Comment: The PIEZO1 c.3400C>A; p.Arg1134Ser variant (rs775384549), to our knowledge, is not reported in the medical literature but is reported in ClinVar (Variation ID: 2229024). This variant is found in the general population with an overall allele frequency of 0.02% (36/182376 alleles) in the Genome Aggregation Database (v2.1.1). Computational analyses predict that this variant is neutral (REVEL: 0.045). While the high population frequency suggests that this is likely a benign variant, given the lack of clinical and functional data, the significance of this variant is uncertain at this time.

Ambry Genetics
Classification: Uncertain significance for Inborn genetic diseases. Last evaluated: 2024-11-21. Review status: criteria provided, single submitter. Criteria: Ambry Variant Classification Scheme 2023. Collection method: clinical testing. Allele origin: germline.

Mayo Clinic Laboratories, Mayo Clinic
Classification: Uncertain significance. Last evaluated: 2023-12-06. Review status: criteria provided, single submitter. Criteria: ACMG Guidelines, 2015. Collection method: clinical testing. Allele origin: germline. Observed: 1 variant allele.
Comment: BP4

Revvity Omics, Revvity
Classification: Uncertain significance. Last evaluated: 2023-12-04. Review status: criteria provided, single submitter. Criteria: ACMG Guidelines, 2015. Collection method: clinical testing. Allele origin: germline.